The following continues an entry in ClinVar:

NM_000059.4(BRCA2):c.316+5G>A

Gene: BRCA2. ClinVar aggregate classification (germline): Pathogenic. Pathogenic (1).

Submissions 9 to 20 of 20:

Baylor Genetics
Classification: Pathogenic for Familial cancer of breast. Last evaluated: 2021-08-02. Review status: criteria provided, single submitter. Criteria: ACMG Guidelines, 2015. Collection method: clinical testing. Allele origin: unknown. Not counted in ClinVar's aggregate classification.

Department of Pathology and Laboratory Medicine, Sinai Health System
Classification: Pathogenic for Familial cancer of breast; Medulloblastoma; Familial prostate cancer; Wilms tumor 1; Fanconi anemia complementation group D1; Breast-ovarian cancer, familial, susceptibility to, 2; Glioma susceptibility 3; Pancreatic cancer, susceptibility to, 2. Last evaluated: 2019-09-12. Review status: criteria provided, single submitter. Criteria: ACMG Guidelines, 2015. Collection method: clinical testing. Allele origin: germline. Not counted in ClinVar's aggregate classification.

Mendelics
Classification: Likely pathogenic for Hereditary breast and ovarian cancer syndrome. Last evaluated: 2018-07-02. Review status: criteria provided, single submitter. Criteria: Mendelics Assertion Criteria 2017. Collection method: clinical testing. Allele origin: unknown. Not counted in ClinVar's aggregate classification.

Quest Diagnostics Nichols Institute San Juan Capistrano
Classification: Likely pathogenic. Last evaluated: 2017-06-02. Review status: criteria provided, single submitter. Criteria: Quest Diagnostics criteria. Collection method: clinical testing. Allele origin: germline. Not counted in ClinVar's aggregate classification.

GeneDx
Classification: Likely pathogenic. Last evaluated: 2016-08-15. Review status: criteria provided, single submitter. Criteria: GeneDx Variant Classification (06012015). Collection method: clinical testing. Allele origin: germline. Affected: yes. Not counted in ClinVar's aggregate classification.
Comment: This variant is denoted BRCA2 c.316+5G>A or IVS3+5G>A and consists of a G>A nucleotide substitution at the +5 position of intron 3 of the BRCA2 gene. Using alternate nomenclature, this variant would be defined as BRCA2 544+5G>A. This variant was observed in several individuals with a personal and family history of breast and/or ovarian cancer (Thomassen 2012, Decker 2013). Multiple in silico models predict, and RT-PCR analysis confirm, that this variant causes and in-frame deletion of exon 3 (Thomassen 2012, Decker 2013). Although an alternate isoform of BRCA2 lacking exon 3 has been described in multiple tissues, the level of this transcript is significantly more abundant in those harboring BRCA2 544+5G>A, and other similar variants that also result in exon 3 skipping (Muller 2011, Thomassen 2012). BRCA2 c.316+5G>A was not observed in approximately 6,500 individuals of European and African American ancestry in the NHLBI Exome Sequencing Project, suggesting it is not a common benign variant in these populations. The guanine (G) nucleotide that is altered is conserved across species. Based on the currently available evidence, we consider BRCA2 c.316+5G>A to be a likely pathogenic variant.

Genesis Genomics
Classification: Pathogenic for Breast-ovarian cancer, familial, susceptibility to, 2. Review status: criteria provided, single submitter. Criteria: ACMG Guidelines, 2015. Collection method: clinical testing. Allele origin: germline. Affected: yes. Observed: 1 variant allele. Not counted in ClinVar's aggregate classification.

Neuberg Centre For Genomic Medicine, NCGM
Classification: Pathogenic for Familial cancer of breast. Review status: criteria provided, single submitter. Criteria: ACMG Guidelines, 2015. Collection method: clinical testing. Allele origin: germline. Inheritance: Autosomal dominant inheritance. Affected: yes. Not counted in ClinVar's aggregate classification.
Comment: This variant has been observed in several individuals affected with breast and ovarian cancer (Thomassen M et al). In addition, this variant segregates with breast and prostate cancer in one family (Caputo SM et al). This variant has been reported to the ClinVar database as pathogenic. The variant is novel (not in any individuals) in gnomAD Exomes and 1000 Genomes. This sequence change falls in intron 3 of the BRCA2 gene. It does not directly change the encoded amino acid sequence of the BRCA2 protein, but it affects a nucleotide within the consensus splice site of the intron. Nucleotide substitutions within the consensus splice site are a relatively common cause of aberrant splicing (Buratti E et al). Experimental studies have shown that this sequence change causes skipping of exon 3 of the BRCA2 mRNA (Thomassen M et al). Skipping of exon 3 results in in-frame deletion of 83 amino acid residues from the BRCA2 protein partially including the PALB2 binding domain, which is important for DNA repair activity of the BRCA2 protein (Oliver AW et al). For these reasons, this variant has been classified as pathogenic.

Neuberg Centre For Genomic Medicine, NCGM
Classification: Pathogenic for Breast-ovarian cancer, familial, susceptibility to, 2. Review status: criteria provided, single submitter. Criteria: ACMG Guidelines, 2015. Collection method: clinical testing. Allele origin: germline. Inheritance: Autosomal dominant inheritance. Affected: yes. Not counted in ClinVar's aggregate classification.
Comment: The above variant has been reported in individuals affected with breast cancer (Lincoln SE, et al., 2015; CauxMoncoutier V, et al., 2011). It has also been observed to segregate with disease in related individuals. Studies have shown that this variant results in skipping of exon 3, but is expected to preserve the integrity of the reading-frame (Thomassen M, et al., 2012). Other variant(s) that disrupt this nucleotide have been determined to be pathogenic (Caputo SM, et al., 2018; Castéra L, et al., 2014). RNA analysis indicates that this variant induces altered splicing and likely results in a shortened protein product.

Foulkes Cancer Genetics LDI, Lady Davis Institute for Medical Research
Classification: Pathogenic for Breast and/or ovarian cancer. Last evaluated: 2013-04-04. Review status: no assertion criteria provided. Collection method: clinical testing. Allele origin: germline. Study: The Canadian Open Genetics Repository (COGR). Not counted in ClinVar's aggregate classification.

Sharing Clinical Reports Project (SCRP)
Classification: Pathogenic for Breast-ovarian cancer, familial 2. Last evaluated: 2012-09-17. Review status: no assertion criteria provided. Collection method: clinical testing. Allele origin: germline. Not counted in ClinVar's aggregate classification.

Breast Cancer Information Core (BIC) (BRCA2)
Classification: Uncertain significance for Breast-ovarian cancer, familial 2. Last evaluated: 2003-12-23. Review status: no assertion criteria provided. Collection method: clinical testing. Allele origin: germline. Affected: yes. Observed: 1 variant allele. Not counted in ClinVar's aggregate classification.

Laboratory of Urology, Hospital Clinic de Barcelona
Classification: Pathogenic for Malignant tumor of urinary bladder. Review status: no assertion criteria provided. Collection method: research. Allele origin: somatic. Affected: yes. Not counted in ClinVar's aggregate classification.

Literature cited by the submitters: PubMed 29707112 (cited by 6 submitters); PubMed 18424508 (cited by 3 submitters); PubMed 21769658 (cited by 8 submitters); PubMed 21939546 (cited by Ambry Genetics and Labcorp Genetics (formerly Invitae), Labcorp); PubMed 29470806 (cited by 5 submitters); PubMed 35979650 (cited by Ambry Genetics and All of Us Research Program, National Institutes of Health); PubMed 21120943 (cited by Labcorp Genetics (formerly Invitae), Labcorp and Department of Pathology and Laboratory Medicine, Sinai Health System); PubMed 26207792 (cited by 4 submitters); PubMed 17576681 (cited by Labcorp Genetics (formerly Invitae), Labcorp); PubMed 9536098 (cited by Labcorp Genetics (formerly Invitae), Labcorp); PubMed 22505045 (cited by Labcorp Genetics (formerly Invitae), Labcorp); PubMed 24549055 (cited by Labcorp Genetics (formerly Invitae), Labcorp and Mayo Clinic Laboratories, Mayo Clinic); PubMed 31512090 (cited by 3 submitters); PubMed 23192360 (cited by All of Us Research Program, National Institutes of Health); PubMed 34597585 (cited by Mayo Clinic Laboratories, Mayo Clinic); PubMed 27060066 (cited by Quest Diagnostics Nichols Institute San Juan Capistrano).